The following is an entry in ClinVar:

ClinVar aggregate classification (germline): Benign. Review status: criteria provided, multiple submitters, no conflicts (2 of 4 stars). 3 submissions from 3 submitters: Benign (2). 1 of the submissions does not count toward it. Last evaluated 2025-11-15.

Conditions:
SATB2-related disorder. Also called: SATB2-related condition.
Chromosome 2q32-q33 deletion syndrome (GLASS). Also called: Glass syndrome; 2q33.1 deletion syndrome. Identifiers: Orphanet 251019, MedGen C2676739, MONDO:0012864, OMIM 612313.

Allele frequency attached by ClinVar (database versions not stated): gnomAD 0.00001 and 0.00007; TOPMed 0.00012; ExAC 0.00016; gnomAD exomes 0.00016; 1000 Genomes Project 0.00060; 1000 Genomes Project 30x 0.00062.
gnomAD v4.1: 92 of 1,614,148 alleles (0.0057%); highest among the groups gnomAD compares: East Asian, 0.12%; 1 homozygote.

Submissions (3):

Labcorp Genetics (formerly Invitae), Labcorp
Classification: Benign for Chromosome 2q32-q33 deletion syndrome. Last evaluated: 2025-11-15. Review status: criteria provided, single submitter. Criteria: Invitae Variant Classification Sherloc (09022015). Collection method: clinical testing. Allele origin: germline.

GeneDx
Classification: Benign. Last evaluated: 2019-11-22. Review status: criteria provided, single submitter. Criteria: GeneDx Variant Classification Process June 2021. Collection method: clinical testing. Allele origin: germline. Affected: yes.

PreventionGenetics, part of Exact Sciences
Classification: Likely benign for SATB2-related condition. Last evaluated: 2023-12-14. Review status: no assertion criteria provided. Collection method: clinical testing. Allele origin: germline. Not counted in ClinVar's aggregate classification.
Comment: This variant is classified as likely benign based on ACMG/AMP sequence variant interpretation guidelines (Richards et al. 2015 PMID: 25741868, with internal and published modifications).

NM_001172509.2(SATB2):c.894T>A (p.Leu298=)

Gene: SATB2 (SATB homeobox 2; minus strand). Cytogenetic location: 2q33.1.
Variant type: single nucleotide variant.
Coding change: c.894T>A on transcript NM_001172509.2 (MANE Select); coding-DNA position 894, T replaced by A.
Protein change: p.Leu298=; no amino-acid change (leucine 298 retained).
Molecular consequence: synonymous variant.
Genome position (GRCh38, 1-based): chr2:199,348,980, A>T on the plus strand (T>A on the coding strand, the complement: SATB2 is on the minus strand). VCF-style: chr2-199348980-A-T. GRCh37 (hg19) VCF-style: chr2-200213703-A-T.
Other names: c.894T>A, p.Leu298= (NM_001172517.1, NM_015265.4).
Identifiers: ClinVar variation 537278 (VCV000537278.15), dbSNP rs199530574, ClinGen allele CA2045987.